The following is an entry in ClinVar:

ClinVar aggregate classification (germline): Uncertain significance (1 of 4 stars; one submission).

gnomAD v4.1: 1 of 1,614,014 alleles (0.000062%); no homozygotes.

Submission:

Athena Diagnostics
Classification: Uncertain significance. Last evaluated: 2024-11-21. Review status: criteria provided, single submitter. Criteria: Athena Diagnostics Criteria. Collection method: clinical testing. Allele origin: unknown.
Comment: Available data are insufficient to determine the clinical significance of the variant at this time. The frequency of this variant in the general population is uninformative in assessment of its pathogenicity. Polyphen and MutationTaster yielded discordant predictions regarding whether this amino acid change is damaging to the protein.

NM_198859.4(PRICKLE2):c.1162C>T (p.Leu388Phe)

Gene: PRICKLE2 (prickle planar cell polarity protein 2; minus strand). Cytogenetic location: 3p14.1.
Variant type: single nucleotide variant.
Coding change: c.1162C>T on transcript NM_198859.4 (MANE Select); coding-DNA position 1162, C replaced by T.
Protein change: p.Leu388Phe; replaces leucine 388 with phenylalanine.
Molecular consequence: missense variant.
Genome position (GRCh38, 1-based): chr3:64,147,328, G>A on the plus strand (C>T on the coding strand, the complement: PRICKLE2 is on the minus strand). VCF-style: chr3-64147328-G-A. GRCh37 (hg19) VCF-style: chr3-64133004-G-A.
Other names: c.1162C>T, p.Leu388Phe (NM_001370528.1); short protein forms L388F.
Identifiers: ClinVar variation 3571866 (VCV003571866.1).